The following is an entry in ClinVar:

ClinVar aggregate classification (germline): Uncertain significance. Review status: criteria provided, multiple submitters, no conflicts (2 of 4 stars). 2 submissions from 2 submitters: Uncertain significance (2). Last evaluated 2025-06-12.

Conditions:
PLA2G6-related disorder. Also called: PLA2G6-related condition.

Submissions (2):

3billion
Classification: Uncertain significance for PLA2G6-related disorder. Last evaluated: 2025-06-12. Review status: criteria provided, single submitter. Criteria: ACMG Guidelines, 2015. Collection method: clinical testing. Allele origin: germline. Affected: yes.
Comment: The variant is not observed in the gnomAD v4.1.0 dataset. Predicted Consequence/Location: Missense variant In silico tool predictions suggest damaging effect of the variant on gene or gene product [REVEL: 0.75 (>=0.6, sensitivity 0.68 and specificity 0.92); 3Cnet: 0.94 (> 0.75, sensitivity 0.96 and precision 0.92)]. The same nucleotide change resulting in the same amino acid change has been previously reported to be associated with PLA2G6-related disorder (PMID: 38693247). Therefore, this variant is classified as VUS according to the recommendation of ACMG/AMP guideline.

GeneDx
Classification: Uncertain significance. Last evaluated: 2022-12-22. Review status: criteria provided, single submitter. Criteria: GeneDx Variant Classification Process June 2021. Collection method: clinical testing. Allele origin: germline. Affected: yes.
Comment: Not observed at significant frequency in large population cohorts (gnomAD); In silico analysis supports that this missense variant has a deleterious effect on protein structure/function; Has not been previously published as pathogenic or benign to our knowledge

Literature cited by the submitters: PubMed 38693247 (cited by 3billion).

NM_003560.4(PLA2G6):c.1664A>G (p.Tyr555Cys)

Gene: PLA2G6 (phospholipase A2 group VI; minus strand). Cytogenetic location: 22q13.1.
Variant type: single nucleotide variant.
Coding change: c.1664A>G on transcript NM_003560.4 (MANE Select); coding-DNA position 1664, A replaced by G.
Protein change: p.Tyr555Cys; replaces tyrosine 555 with cysteine.
Molecular consequence: missense variant.
Genome position (GRCh38, 1-based): chr22:38,120,837, T>C on the plus strand (A>G on the coding strand, the complement: PLA2G6 is on the minus strand). VCF-style: chr22-38120837-T-C. GRCh37 (hg19) VCF-style: chr22-38516844-T-C.
Other names: c.1502A>G, p.Tyr501Cys (NM_001004426.3, NM_001199562.3, NM_001349865.2 and 1 more transcripts); c.1664A>G, p.Tyr555Cys (NM_001349864.2); c.1130A>G, p.Tyr377Cys (NM_001349867.2); c.986A>G, p.Tyr329Cys (NM_001349868.2); c.968A>G, p.Tyr323Cys (NM_001349869.2); short protein forms Y323C, Y329C, Y377C, Y501C, Y555C.
Identifiers: ClinVar variation 2507233 (VCV002507233.2), dbSNP rs2517951542, ClinGen allele CA411527417.